The following is an entry in ClinVar:

ClinVar aggregate classification (germline): Likely benign. Review status: criteria provided, multiple submitters, no conflicts (2 of 4 stars). 4 submissions from 4 submitters: Likely benign (2). 2 of the submissions do not count toward it. Last evaluated 2023-10-26.

Conditions:
Charcot-Marie-Tooth disease. Also called: Charcot-Marie-Tooth Hereditary Neuropathy; Charcot-Marie-Tooth Neuropathy. Identifiers: Orphanet 166, MedGen C0007959, MONDO:0015626.

Allele frequency attached by ClinVar (database versions not stated): TOPMed 0.00002; gnomAD 0.00003; gnomAD exomes 0.00006 and 0.00001.
gnomAD v4.1: 93 of 1,614,114 alleles (0.0058%); highest among the groups gnomAD compares: Non-Finnish European, 0.0077%; no homozygotes.

Submissions (4):

Women's Health and Genetics/Laboratory Corporation of America, LabCorp
Classification: Likely benign. Last evaluated: 2023-10-26. Review status: criteria provided, single submitter. Criteria: LabCorp Variant Classification Summary - May 2015. Collection method: clinical testing. Allele origin: germline.
Comment: Variant summary: KIF1B c.1977+6213G>T is located at a position not widely known to affect splicing. The variant allele was found at a frequency of 8e-06 in 250828 control chromosomes (gnomAD). The available data on variant occurrences in the general population are insufficient to allow any conclusion about variant significance. c.1977+6213G>T has been reported in the literature in one individual affected with hereditary motor neuropathies with pyramidal signs (Drew_2015). The report does not provide unequivocal conclusions about association of the variant with KIF1B-Related Disorders. To our knowledge, no experimental evidence demonstrating an impact on protein function has been reported. The following publications have been ascertained in the context of this evaluation (PMID: 25802885, 30126838). One submitter has cited clinical-significance assessments for this variant to ClinVar after 2014 and has classified the variant as uncertain significance. Based on the evidence outlined above, the variant was classified as likely benign.

Blueprint Genetics
Classification: Likely benign. Last evaluated: 2021-11-08. Review status: criteria provided, single submitter. Criteria: ACMG Guidelines, 2015. Collection method: clinical testing. Allele origin: germline.

Genesis Genome Database
Classification: Uncertain significance for Charcot-Marie-Tooth disease. Last evaluated: 2019-08-14. Review status: no assertion criteria provided. Collection method: research. Allele origin: germline. Affected: yes. Not counted in ClinVar's aggregate classification.

Northcott Neuroscience Laboratory, ANZAC Research Institute
Classification: Likely pathogenic. Review status: no assertion criteria provided. Collection method: not provided. Allele origin: germline. Not counted in ClinVar's aggregate classification.
Comment: Family O
ClinVar note: Converted during submission from probable-pathogenic to Likely pathogenic.

Literature cited by the submitters: PubMed 25802885 (cited by Women's Health and Genetics/Laboratory Corporation of America, LabCorp); PubMed 30126838 (cited by Women's Health and Genetics/Laboratory Corporation of America, LabCorp).

NM_001365951.3(KIF1B):c.2115+6213G>T

Gene: KIF1B (kinesin family member 1B; plus strand). Cytogenetic location: 1p36.22.
Variant type: single nucleotide variant.
Coding change: c.2115+6213G>T on transcript NM_001365951.3 (MANE Select); 6213 bases into the intron after coding-DNA position 2115, G replaced by T.
Molecular consequence: intron variant. On other transcripts: missense variant (2).
Genome position (GRCh38, 1-based): chr1:10,303,459, G>T. VCF-style: chr1-10303459-G-T. GRCh37 (hg19) VCF-style: chr1-10363517-G-T.
Other names: c.2274G>T, p.Glu758Asp (NM_001365953.1, NM_183416.4); c.1977+6213G>T (NM_015074.3); c.2115+6213G>T (NM_001365952.1); short protein forms E758D.
Identifiers: ClinVar variation 155755 (VCV000155755.5), dbSNP rs587777883, ClinGen allele CA233127.